The following is an entry in ClinVar:

NM_017654.4(SAMD9):c.4169T>C (p.Leu1390Ser)

Gene: SAMD9 (sterile alpha motif domain containing 9; minus strand). Cytogenetic location: 7q21.2.
Variant type: single nucleotide variant.
Coding change: c.4169T>C on transcript NM_017654.4 (MANE Select); coding-DNA position 4169, T replaced by C.
Protein change: p.Leu1390Ser; replaces leucine 1390 with serine.
Molecular consequence: missense variant.
Genome position (GRCh38, 1-based): chr7:93,101,929, A>G on the plus strand (T>C on the coding strand, the complement: SAMD9 is on the minus strand). VCF-style: chr7-93101929-A-G. GRCh37 (hg19) VCF-style: chr7-92731242-A-G.
Other names: c.4169T>C, p.Leu1390Ser (NM_001193307.2); short protein forms L1390S.
Identifiers: ClinVar variation 3792035 (VCV003792035.1).
Genomic context (GRCh38, chr7:93,101,929, plus strand): 5'-TTTTCAACTGGCTTTACTAATCTGGAGGTAGGTTGGATACAGGAGAGAATAATGTTGGCC[A>G]AGATGAAATTTAGCTTTTCTTTTGACTGGATTTTGACAGTGCATTGTTCTAAGAGAAAAG-3'
Protein context (NP_060124.2, residues 1380-1400): IQSKEKLNFI[Leu1390Ser]ANIILSCIQP

ClinVar aggregate classification (germline): Uncertain significance (1 of 4 stars; one submission).

Conditions:
Inborn genetic diseases. Identifiers: MedGen C0950123, MeSH D030342.

Submission:

Ambry Genetics
Classification: Uncertain significance for Inborn genetic diseases. Last evaluated: 2025-01-31. Review status: criteria provided, single submitter. Criteria: Ambry Variant Classification Scheme 2023. Collection method: clinical testing. Allele origin: germline.
Comment: The p.L1390S variant (also known as c.4169T>C), located in coding exon 1 of the SAMD9 gene, results from a T to C substitution at nucleotide position 4169. The leucine at codon 1390 is replaced by serine, an amino acid with dissimilar properties. This amino acid position is conserved. In addition, the in silico prediction for this alteration is inconclusive. Based on the available evidence, the clinical significance of this variant remains unclear.